The following is an entry in ClinVar:

NM_004369.4(COL6A3):c.1248G>A (p.Leu416=)

Gene: COL6A3 (collagen type VI alpha 3 chain; minus strand). Cytogenetic location: 2q37.3.
Variant type: single nucleotide variant.
Coding change: c.1248G>A on transcript NM_004369.4 (MANE Select); coding-DNA position 1248, G replaced by A.
Protein change: p.Leu416=; no amino-acid change (leucine 416 retained).
Molecular consequence: synonymous variant. On other transcripts: intron variant (2).
Genome position (GRCh38, 1-based): chr2:237,387,646, C>T on the plus strand (G>A on the coding strand, the complement: COL6A3 is on the minus strand). VCF-style: chr2-237387646-C-T. GRCh37 (hg19) VCF-style: chr2-238296289-C-T.
Other names: c.630G>A, p.Leu210= (NM_057165.5, NM_057167.4); c.92-6147G>A (NM_057166.5, NM_057164.5).
Identifiers: ClinVar variation 285353 (VCV000285353.50), dbSNP rs150219857, ClinGen allele CA2189675.

ClinVar aggregate classification (germline): Benign/Likely benign. Review status: criteria provided, multiple submitters, no conflicts (2 of 4 stars). 7 submissions from 7 submitters: Benign (3); Likely benign (4). Last evaluated 2026-01-31.

Conditions:
Collagen 6-related myopathy. Identifiers: MedGen CN117976, MONDO:0100225.
Bethlem myopathy 1A. Also called: Bethlem myopathy 1; Bethlem Muscular Dystrophy; MYOPATHY, BENIGN CONGENITAL, WITH CONTRACTURES. Identifiers: Orphanet 610, MedGen CN029274, MONDO:0024530, OMIM 158810.

Allele frequency attached by ClinVar (database versions not stated): 1000 Genomes Project 0.00020; ESP Exome Variant Server 0.00023; TOPMed 0.00026; 1000 Genomes Project 30x 0.00031; gnomAD 0.00039 and 0.00042; gnomAD exomes 0.00074; ExAC 0.00079.
gnomAD v4.1: 745 of 1,613,796 alleles (0.046%); highest among the groups gnomAD compares: South Asian, 0.24%; 5 homozygotes.

Submissions (7):

Labcorp Genetics (formerly Invitae), Labcorp
Classification: Benign for Bethlem myopathy 1A. Last evaluated: 2026-01-31. Review status: criteria provided, single submitter. Criteria: Invitae Variant Classification Sherloc (09022015). Collection method: clinical testing. Allele origin: germline.

CeGaT Center for Human Genetics Tuebingen
Classification: Likely benign. Last evaluated: 2025-11-01. Review status: criteria provided, single submitter. Criteria: CeGaT Center For Human Genetics Tuebingen Variant Classification Criteria Version 2. Collection method: clinical testing. Allele origin: germline. Affected: yes. Observed: 3 variant alleles.
Comment: COL6A3: BP4

Blueprint Genetics
Classification: Likely benign. Last evaluated: 2024-11-06. Review status: criteria provided, single submitter. Criteria: ACMG Guidelines, 2015. Collection method: clinical testing. Allele origin: germline.

GeneDx
Classification: Likely benign. Last evaluated: 2020-11-24. Review status: criteria provided, single submitter. Criteria: GeneDx Variant Classification Process June 2021. Collection method: clinical testing. Allele origin: germline. Affected: yes.

Eurofins Ntd Llc (ga)
Classification: Benign. Last evaluated: 2018-03-27. Review status: criteria provided, single submitter. Criteria: EGL ClinVar v180209 classification definitions. Collection method: clinical testing. Allele origin: germline. Observed: 4 variant alleles, 4 heterozygotes.

Illumina Laboratory Services, Illumina
Classification: Benign for Collagen VI-related myopathy. Last evaluated: 2018-01-13. Review status: criteria provided, single submitter. Criteria: ICSL Variant Classification Criteria 13 December 2019. Collection method: clinical testing. Allele origin: germline.
Comment: This variant was observed in the ICSL laboratory as part of a predisposition screen in an ostensibly healthy population. It had not been previously curated by ICSL or reported in the Human Gene Mutation Database (HGMD: prior to June 1st, 2018), and was therefore a candidate for classification through an automated scoring system. Utilizing variant allele frequency, disease prevalence and penetrance estimates, and inheritance mode, an automated score was calculated to assess if this variant is too frequent to cause the disease. Based on the score and internal cut-off values, a variant classified as benign is not then subjected to further curation. The score for this variant resulted in a classification of benign for this disease.

Breakthrough Genomics
Classification: Likely benign. Review status: criteria provided, single submitter. Criteria: ACMG Guidelines, 2015. Collection method: not provided. Allele origin: germline. Inheritance: Autosomal recessive inheritance. Affected: yes.